The following is an entry in ClinVar:

NM_000540.3(RYR1):c.1081C>T (p.Pro361Ser)

Gene: RYR1 (ryanodine receptor 1; plus strand). Cytogenetic location: 19q13.2.
Variant type: single nucleotide variant.
Coding change: c.1081C>T on transcript NM_000540.3 (MANE Select); coding-DNA position 1081, C replaced by T.
Protein change: p.Pro361Ser; replaces proline 361 with serine.
Molecular consequence: missense variant.
Genome position (GRCh38, 1-based): chr19:38,448,772, C>T. VCF-style: chr19-38448772-C-T. GRCh37 (hg19) VCF-style: chr19-38939412-C-T.
Other names: c.1081C>T, p.Pro361Ser (NM_001042723.2); short protein forms P361S.
Identifiers: ClinVar variation 1421444 (VCV001421444.6), dbSNP rs761707535, ClinGen allele CA055118.
Genomic context (GRCh38, chr19:38,448,772, plus strand): 5'-GGGGAGTCACTGTGCTTCGTGCAGCATGTGGCCTCAGGACTGTGGCTCACCTATGCTGCT[C>T]CAGACCCCAAGGCCCTGCGGCTCGGCGTGCTCAAGAAGAAGGTGGGTGTAATCCCAGCTA-3'
Protein context (NP_000531.2, residues 351-371): ASGLWLTYAA[Pro361Ser]DPKALRLGVL

ClinVar aggregate classification (germline): Uncertain significance (1 of 4 stars; one submission).

Conditions:
RYR1-related disorder. Also called: RYR1-related condition; RYR1-related disorders. Identifiers: MedGen CN239331.

Allele frequency attached by ClinVar (database versions not stated): gnomAD exomes below 0.00001; ExAC 0.00001; gnomAD 0.00001.
gnomAD v4.1: 3 of 1,614,042 alleles (0.00019%); highest among the groups gnomAD compares: East Asian, 0.0022%; no homozygotes.

Submission:

Labcorp Genetics (formerly Invitae), Labcorp
Classification: Uncertain significance for RYR1-related disorder. Last evaluated: 2022-08-23. Review status: criteria provided, single submitter. Criteria: Invitae Variant Classification Sherloc (09022015). Collection method: clinical testing. Allele origin: germline.
Comment: This sequence change replaces proline, which is neutral and non-polar, with serine, which is neutral and polar, at codon 361 of the RYR1 protein (p.Pro361Ser). This variant is present in population databases (rs761707535, gnomAD 0.003%). This variant has not been reported in the literature in individuals affected with RYR1-related conditions. ClinVar contains an entry for this variant (Variation ID: 1421444). Advanced modeling of protein sequence and biophysical properties (such as structural, functional, and spatial information, amino acid conservation, physicochemical variation, residue mobility, and thermodynamic stability) performed at Invitae indicates that this missense variant is not expected to disrupt RYR1 protein function. In summary, the available evidence is currently insufficient to determine the role of this variant in disease. Therefore, it has been classified as a Variant of Uncertain Significance.